The following is an entry in ClinVar:

ClinVar aggregate classification (germline): Likely pathogenic (1 of 4 stars; one submission).

Conditions:
alpha Thalassemia. Also called: Alpha thalassemia spectrum. Identifiers: Orphanet 846, MedGen C0002312, MONDO:0011399, OMIM 604131.

Submission:

Natera, Inc.
Classification: Likely pathogenic for Alpha thalassemia. Last evaluated: 2025-08-12. Review status: criteria provided, single submitter. Criteria: Natera Variant Classification Schema (03/2026). Collection method: clinical testing. Allele origin: germline.
Comment: The c.255del variant in HBA2 is a frameshift variant predicted to shift the reading frame beginning at codon 85 and leads to a stop codon 18 codons downstream. This variant is expected to result in nonsense mediated decay, truncation, or a dysfunctional protein product. This variant is rare in the general population with a frequency below the threshold expected for the associated phenotype(s). Given the available evidence, this variant is classified as Likely Pathogenic.

NM_000517.6(HBA2):c.255del (p.Ser85fs)

Genes: HBA2 (hemoglobin subunit alpha 2; plus strand), LOC106804612 (hemoglobin subunit alpha 2 recombination region; plus strand). Cytogenetic location: 16p13.3.
Variant type: Deletion.
Coding change: c.255del on transcript NM_000517.6 (MANE Select); coding-DNA position 255, one base deleted (C; older notation c.255delC).
Protein change: p.Ser85fs; shifts the reading frame from serine 85.
Molecular consequence: frameshift variant.
Genome position (GRCh38, 1-based): chr16:173,284, C deleted. VCF-style (leftmost placement, unchanged base first): chr16-173283-GC-G. GRCh37 (hg19) VCF-style: chr16-223282-GC-G.
Other names: short protein forms S85fs.
Identifiers: ClinVar variation 4818651 (VCV004818651.1).